The following is an entry in ClinVar:

ClinVar aggregate classification (germline): Uncertain significance (1 of 4 stars; one submission).

Submission:

Labcorp Genetics (formerly Invitae), Labcorp
Classification: Uncertain significance. Last evaluated: 2022-06-27. Review status: criteria provided, single submitter. Criteria: Invitae Variant Classification Sherloc (09022015). Collection method: clinical testing. Allele origin: germline.
Comment: In summary, the available evidence is currently insufficient to determine the role of this variant in disease. Therefore, it has been classified as a Variant of Uncertain Significance. Algorithms developed to predict the effect of missense changes on protein structure and function (SIFT, PolyPhen-2, Align-GVGD) all suggest that this variant is likely to be tolerated. This variant has not been reported in the literature in individuals affected with IDH3A-related conditions. This variant is not present in population databases (gnomAD no frequency). This sequence change replaces methionine, which is neutral and non-polar, with valine, which is neutral and non-polar, at codon 51 of the IDH3A protein (p.Met51Val).

NM_005530.3(IDH3A):c.151A>G (p.Met51Val)

Gene: IDH3A (isocitrate dehydrogenase (NAD(+)) 3 catalytic subunit alpha; plus strand). Cytogenetic location: 15q25.1.
Variant type: single nucleotide variant.
Coding change: c.151A>G on transcript NM_005530.3 (MANE Select); coding-DNA position 151, A replaced by G.
Protein change: p.Met51Val; replaces methionine 51 with valine.
Molecular consequence: missense variant.
Genome position (GRCh38, 1-based): chr15:78,157,608, A>G. VCF-style: chr15-78157608-A-G. GRCh37 (hg19) VCF-style: chr15-78449950-A-G.
Other names: short protein forms M51V.
Identifiers: ClinVar variation 2006585 (VCV002006585.4), dbSNP rs2548835015, ClinGen allele CA393557429.